The following is an entry in ClinVar:

ClinVar aggregate classification (germline): Likely benign (1 of 4 stars; one submission).

Submission:

CeGaT Center for Human Genetics Tuebingen
Classification: Likely benign. Last evaluated: 2024-11-01. Review status: criteria provided, single submitter. Criteria: CeGaT Center For Human Genetics Tuebingen Variant Classification Criteria Version 2. Collection method: clinical testing. Allele origin: germline. Affected: yes. Observed: 1 variant allele.
Comment: BTBD2: PM2:Supporting, BP4, BP7

NM_017797.4(BTBD2):c.93C>T (p.Asn31=)

Gene: BTBD2 (BTB domain containing 2; minus strand). Cytogenetic location: 19p13.3.
Variant type: single nucleotide variant.
Coding change: c.93C>T on transcript NM_017797.4 (MANE Select); coding-DNA position 93, C replaced by T.
Protein change: p.Asn31=; no amino-acid change (asparagine 31 retained).
Molecular consequence: synonymous variant.
Genome position (GRCh38, 1-based): chr19:2,015,611, G>A on the plus strand (C>T on the coding strand, the complement: BTBD2 is on the minus strand). VCF-style: chr19-2015611-G-A. GRCh37 (hg19) VCF-style: chr19-2015610-G-A.
Identifiers: ClinVar variation 3389658 (VCV003389658.14).